The following is an entry in ClinVar:

ClinVar aggregate classification (germline): Uncertain significance. Review status: criteria provided, multiple submitters, no conflicts (2 of 4 stars). 2 submissions from 2 submitters: Uncertain significance (2). Last evaluated 2022-06-27.

Conditions:
Hereditary spastic paraplegia 48. Also called: SPASTIC PARAPLEGIA 48, AUTOSOMAL RECESSIVE; Spastic paraplegia 48. Identifiers: Orphanet 306511, MedGen C3150901, MONDO:0013342, OMIM 613647.

Allele frequency attached by ClinVar (database versions not stated): TOPMed 0.00001; gnomAD 0.00004 and 0.00007; gnomAD exomes 0.00005; ESP Exome Variant Server 0.00008; ExAC 0.00009; 1000 Genomes Project 30x 0.00016; 1000 Genomes Project 0.00020.
gnomAD v4.1: 62 of 1,610,732 alleles (0.0038%); highest among the groups gnomAD compares: South Asian, 0.041%; 1 homozygote.

Submissions (2):

Labcorp Genetics (formerly Invitae), Labcorp
Classification: Uncertain significance for Hereditary spastic paraplegia 48. Last evaluated: 2022-06-27. Review status: criteria provided, single submitter. Criteria: Invitae Variant Classification Sherloc (09022015). Collection method: clinical testing. Allele origin: germline.
Comment: This variant is present in population databases (rs367981328, gnomAD 0.03%). In summary, the available evidence is currently insufficient to determine the role of this variant in disease. Therefore, it has been classified as a Variant of Uncertain Significance. Algorithms developed to predict the effect of missense changes on protein structure and function are either unavailable or do not agree on the potential impact of this missense change (SIFT: "Deleterious"; PolyPhen-2: "Probably Damaging"; Align-GVGD: "Class C0"). ClinVar contains an entry for this variant (Variation ID: 240932). This variant has not been reported in the literature in individuals affected with AP5Z1-related conditions. This sequence change replaces arginine, which is basic and polar, with tryptophan, which is neutral and slightly polar, at codon 337 of the AP5Z1 protein (p.Arg337Trp).

Baylor Genetics
Classification: Uncertain significance for Hereditary spastic paraplegia 48. Last evaluated: 2020-06-03. Review status: criteria provided, single submitter. Criteria: ACMG Guidelines, 2015. Collection method: clinical testing. Allele origin: unknown. Affected: yes.
Comment: This variant was determined to be of uncertain significance according to ACMG Guidelines, 2015 [PMID:25741868].

NM_014855.3(AP5Z1):c.1009C>T (p.Arg337Trp)

Gene: AP5Z1 (adaptor related protein complex 5 subunit zeta 1; plus strand). Cytogenetic location: 7p22.1.
Variant type: single nucleotide variant.
Coding change: c.1009C>T on transcript NM_014855.3 (MANE Select); coding-DNA position 1009, C replaced by T.
Protein change: p.Arg337Trp; replaces arginine 337 with tryptophan.
Molecular consequence: missense variant. On other transcripts: non-coding transcript variant (1).
Genome position (GRCh38, 1-based): chr7:4,785,561, C>T. VCF-style: chr7-4785561-C-T. GRCh37 (hg19) VCF-style: chr7-4825192-C-T.
Other names: c.1009C>T, p.Arg337Trp (LRG_1247t1); c.541C>T, p.Arg181Trp (NM_001364858.1); short protein forms R337W, R181W.
Identifiers: ClinVar variation 240932 (VCV000240932.10), dbSNP rs367981328, ClinGen allele CA4137561.